The following is an entry in ClinVar:

ClinVar aggregate classification (germline): Uncertain significance. Review status: criteria provided, multiple submitters, no conflicts (2 of 4 stars). 2 submissions from 2 submitters: Uncertain significance (2). Last evaluated 2023-06-09.

Submissions (2):

Labcorp Genetics (formerly Invitae), Labcorp
Classification: Uncertain significance. Last evaluated: 2023-06-09. Review status: criteria provided, single submitter. Criteria: Invitae Variant Classification Sherloc (09022015). Collection method: clinical testing. Allele origin: germline.
Comment: This variant is not present in population databases (gnomAD no frequency). In summary, the available evidence is currently insufficient to determine the role of this variant in disease. Therefore, it has been classified as a Variant of Uncertain Significance. Variants that disrupt the consensus splice site are a relatively common cause of aberrant splicing (PMID: 17576681, 9536098). Algorithms developed to predict the effect of sequence changes on RNA splicing suggest that this variant may create or strengthen a splice site. ClinVar contains an entry for this variant (Variation ID: 180069). This variant has not been reported in the literature in individuals affected with TJP2-related conditions. This sequence change falls in intron 19 of the TJP2 gene. It does not directly change the encoded amino acid sequence of the TJP2 protein. It affects a nucleotide within the consensus splice site.

Laboratory for Molecular Medicine, Mass General Brigham Personalized Medicine
Classification: Uncertain significance. Last evaluated: 2014-11-01. Review status: criteria provided, single submitter. Criteria: LMM Criteria. Collection method: clinical testing. Allele origin: germline. Observed: 1 variant allele.
Comment: The p.Arg962Gly variant in TJP2 has not been previously reported in individuals with hearing loss and was absent from large population studies. Computational pr ediction tools and conservation analyses do not provide strong support for or ag ainst an impact to the protein. In summary, the clinical significance of the p.A rg962Gly variant is uncertain.

Literature cited by the submitters: PubMed 17576681 (cited by Labcorp Genetics (formerly Invitae), Labcorp); PubMed 9536098 (cited by Labcorp Genetics (formerly Invitae), Labcorp).

NM_004817.4(TJP2):c.2880+4A>G

Gene: TJP2 (tight junction protein 2; plus strand). Cytogenetic location: 9q21.11.
Variant type: single nucleotide variant.
Coding change: c.2880+4A>G on transcript NM_004817.4 (MANE Select); 4 bases into the intron after coding-DNA position 2880, A replaced by G.
Molecular consequence: intron variant.
Genome position (GRCh38, 1-based): chr9:69,248,228, A>G. VCF-style: chr9-69248228-A-G. GRCh37 (hg19) VCF-style: chr9-71863144-A-G.
Other names: c.2811+4A>G (NM_001170414.2, NM_001369871.1); c.2805+4A>G (NM_001369870.1); c.2880+4A>G (NM_201629.3, NM_001369872.1); c.2667+1438A>G (NM_001369873.1); c.2892+4A>G (NM_001170415.1, NM_001369875.1, NM_001369874.1); c.2973+4A>G (NM_001170416.2).
Identifiers: ClinVar variation 180069 (VCV000180069.8), dbSNP rs727505327, ClinGen allele CA185746.